The following is an entry in ClinVar:

GRCh38/hg38 14q22.3-23.3(chr14:57041036-67208231)x1

Genes: ACTR10 (actin related protein 10; plus strand), AKAP5 (A-kinase anchoring protein 5; plus strand), AP5M1 (adaptor related protein complex 5 subunit mu 1; plus strand), ARID4A (AT-rich interaction domain 4A; plus strand), ARMH4 (armadillo like helical domain containing 4; minus strand) and 342 more. Cytogenetic location: 14q22.3-23.3.
Variant type: copy number loss.
Change: copy number 1 (one copy instead of two) of chr14:57,041,036-67,208,231 (10.17 Mb, GRCh38 coordinates, 1-based), cytogenetic band 14q22.3-23.3.
Identifiers: ClinVar variation 57781 (VCV000057781.1).

ClinVar aggregate classification (germline): Pathogenic (1 of 4 stars; one submission).

Submission:

ISCA site 15
Classification: Pathogenic. Last evaluated: 2011-08-12. Review status: criteria provided, single submitter. Criteria: Kaminsky et al. (Genet Med. 2011). Collection method: clinical testing. Allele origin: unknown. Affected: yes. Observed: 1 variant allele.
Comment: Copy number variation identified through the course of routine clinical cytogenomic testing in postnatal populations. Clinical assertions have been curated as described in Kaminsky et al. 2011.